The following is an entry in ClinVar:

ClinVar aggregate classification (germline): Uncertain significance. Review status: criteria provided, multiple submitters, no conflicts (2 of 4 stars). 3 submissions from 3 submitters: Uncertain significance (3). Last evaluated 2025-08-25.

Conditions:
Cardiomyopathy (CMYO). Also called: Cardiomyopathies. Identifiers: Orphanet 167848, MedGen C0878544, MONDO:0004994, HP:0001638. Inheritance: Various modes of inheritance.
Cardiovascular phenotype. Identifiers: MedGen CN230736.
Arrhythmogenic right ventricular dysplasia 8 (ARVD8). Also called: Arrhythmogenic Right Ventricular Dysplasia/Cardiomyopathy 8; ARRHYTHMOGENIC RIGHT VENTRICULAR DYSPLASIA, FAMILIAL, 8; ARRHYTHMOGENIC RIGHT VENTRICULAR CARDIOMYOPATHY 8. Identifiers: MedGen C1843896, MONDO:0011831, OMIM 607450.
Arrhythmogenic cardiomyopathy with wooly hair and keratoderma. Also called: PALMOPLANTAR KERATODERMA WITH LEFT VENTRICULAR CARDIOMYOPATHY AND WOOLLY HAIR; Carvajal syndrome; Dilated cardiomyopathy with woolly hair and keratoderma; Arrhythmogenic cardiomyopathy with woolly hair and keratoderma. Identifiers: Orphanet 65282, MedGen C1854063, MONDO:0011581, OMIM 605676.

Allele frequency attached by ClinVar (database versions not stated): gnomAD exomes below 0.00001; TOPMed 0.00001.
gnomAD v4.1: 2 of 1,614,088 alleles (0.00012%); highest among the groups gnomAD compares: Non-Finnish European, 0.00017%; no homozygotes.

Submissions (3):

Labcorp Genetics (formerly Invitae), Labcorp
Classification: Uncertain significance for Arrhythmogenic cardiomyopathy with wooly hair and keratoderma; Arrhythmogenic right ventricular dysplasia 8. Last evaluated: 2025-08-25. Review status: criteria provided, single submitter. Criteria: Invitae Variant Classification Sherloc (09022015). Collection method: clinical testing. Allele origin: germline.
Comment: This sequence change replaces asparagine, which is neutral and polar, with lysine, which is basic and polar, at codon 516 of the DSP protein (p.Asn516Lys). This variant is not present in population databases (gnomAD no frequency). This variant has not been reported in the literature in individuals affected with DSP-related conditions. ClinVar contains an entry for this variant (Variation ID: 922672). An algorithm developed to predict the effect of missense changes on protein structure and function (PolyPhen-2) suggests that this variant is likely to be disruptive. In summary, the available evidence is currently insufficient to determine the role of this variant in disease. Therefore, it has been classified as a Variant of Uncertain Significance.

Color Diagnostics, LLC DBA Color Health
Classification: Uncertain significance for Cardiomyopathy. Last evaluated: 2023-12-05. Review status: criteria provided, single submitter. Criteria: ACMG Guidelines, 2015. Collection method: clinical testing. Allele origin: germline.
Comment: This missense variant replaces asparagine with lysine at codon 516 of the DSP protein. Computational prediction tools and conservation analyses suggest that this variant may have deleterious impact on the protein function. Computational splicing tools suggest that this variant may not impact RNA splicing. To our knowledge, functional assays have not been performed for this variant nor has this variant been reported in individuals affected with cardiovascular disorders in the literature. This variant has not been identified in the general population by the Genome Aggregation Database (gnomAD). Available evidence is insufficient to determine the role of this variant in disease conclusively. Therefore, this variant is classified as a Variant of Uncertain Significance.

Ambry Genetics
Classification: Uncertain significance for Cardiovascular phenotype. Last evaluated: 2020-12-24. Review status: criteria provided, single submitter. Criteria: Ambry Variant Classification Scheme 2023. Collection method: clinical testing. Allele origin: germline.
Comment: The p.N516K variant (also known as c.1548C>G), located in coding exon 12 of the DSP gene, results from a C to G substitution at nucleotide position 1548. The asparagine at codon 516 is replaced by lysine, an amino acid with similar properties. This amino acid position is highly conserved in available vertebrate species. In addition, this alteration is predicted to be tolerated by in silico analysis. Since supporting evidence is limited at this time, the clinical significance of this alteration remains unclear.

NM_004415.4(DSP):c.1548C>G (p.Asn516Lys)

Gene: DSP (desmoplakin; plus strand). Cytogenetic location: 6p24.3.
Variant type: single nucleotide variant.
Coding change: c.1548C>G on transcript NM_004415.4 (MANE Select); coding-DNA position 1548, C replaced by G.
Protein change: p.Asn516Lys; replaces asparagine 516 with lysine.
Molecular consequence: missense variant.
Genome position (GRCh38, 1-based): chr6:7,569,314, C>G. VCF-style: chr6-7569314-C-G. GRCh37 (hg19) VCF-style: chr6-7569547-C-G.
Other names: c.1548C>G, p.Asn516Lys (NM_001008844.3, NM_001319034.2); short protein forms N516K.
Identifiers: ClinVar variation 922672 (VCV000922672.13), dbSNP rs1407207091, ClinGen allele CA362677803.
Genomic context (GRCh38, chr6:7,569,314, plus strand): 5'-GGGCCCGGGAGGCGTTGACATGCTTGTTCCCTCTGTGGGGCTGATCATCCCTCCTCCGAA[C>G]CCACTGGCCGTGGACCTCTCTTGCAAGTAAGTCATCCAAGTTCCCAAAGCCACGCATGCA-3'
Protein context (NP_004406.2, residues 506-526): PSVGLIIPPP[Asn516Lys]PLAVDLSCKI